The following is an entry in ClinVar:

NM_004977.3(KCNC3):c.1648A>G (p.Met550Val)

Gene: KCNC3 (potassium voltage-gated channel subfamily C member 3; minus strand). Cytogenetic location: 19q13.33.
Variant type: single nucleotide variant.
Coding change: c.1648A>G on transcript NM_004977.3 (MANE Select); coding-DNA position 1648, A replaced by G.
Protein change: p.Met550Val; replaces methionine 550 with valine.
Molecular consequence: missense variant.
Genome position (GRCh38, 1-based): chr19:50,323,305, T>C on the plus strand (A>G on the coding strand, the complement: KCNC3 is on the minus strand). VCF-style: chr19-50323305-T-C. GRCh37 (hg19) VCF-style: chr19-50826562-T-C.
Other names: c.1420A>G, p.Met474Val (NM_001372305.1); short protein forms M550V, M474V.
Identifiers: ClinVar variation 424001 (VCV000424001.4), dbSNP rs1064796737, ClinGen allele CA16620879.

ClinVar aggregate classification (germline): Uncertain significance (1 of 4 stars; one submission).

Allele frequency attached by ClinVar (database versions not stated): TOPMed 0.00001 and 0.00002; gnomAD 0.00003 and 0.00002; gnomAD exomes below 0.00001.
gnomAD v4.1: 4 of 1,612,446 alleles (0.00025%); highest among the groups gnomAD compares: Admixed American, 0.005%; no homozygotes.

Submission:

GeneDx
Classification: Uncertain significance. Last evaluated: 2021-08-30. Review status: criteria provided, single submitter. Criteria: GeneDx Variant Classification Process June 2021. Collection method: clinical testing. Allele origin: germline. Affected: yes.
Comment: Has not been previously published as pathogenic or benign to our knowledge; In silico analysis supports that this missense variant has a deleterious effect on protein structure/function